The following is an entry in ClinVar:

ClinVar aggregate classification (germline): Likely benign. Review status: criteria provided, multiple submitters, no conflicts (2 of 4 stars). 3 submissions from 3 submitters: Likely benign (2). 1 of the submissions does not count toward it. Last evaluated 2019-12-31.

Conditions:
SCN7A-related disorder. Also called: SCN7A-related condition.

Allele frequency attached by ClinVar (database versions not stated): 1000 Genomes Project 30x 0.00109; 1000 Genomes Project 0.00140; gnomAD exomes 0.00376 and 0.00688; ExAC 0.00389; TOPMed 0.00437; gnomAD 0.00438 and 0.00462; ESP Exome Variant Server 0.00558.
gnomAD v4.1: 10,611 of 1,612,390 alleles (0.66%); highest among the groups gnomAD compares: Non-Finnish European, 0.83%; 47 homozygotes.

Submissions (3):

Labcorp Genetics (formerly Invitae), Labcorp
Classification: Likely benign. Last evaluated: 2019-12-31. Review status: criteria provided, single submitter. Criteria: Invitae Variant Classification Sherloc (09022015). Collection method: clinical testing. Allele origin: germline.

Breakthrough Genomics
Classification: Likely benign. Review status: criteria provided, single submitter. Criteria: ACMG Guidelines, 2015. Collection method: not provided. Allele origin: germline. Inheritance: Unknown mechanism. Affected: yes.

PreventionGenetics, part of Exact Sciences
Classification: Likely benign for SCN7A-related condition. Last evaluated: 2019-03-01. Review status: no assertion criteria provided. Collection method: clinical testing. Allele origin: germline. Not counted in ClinVar's aggregate classification.
Comment: This variant is classified as likely benign based on ACMG/AMP sequence variant interpretation guidelines (Richards et al. 2015 PMID: 25741868, with internal and published modifications).

NM_002976.4(SCN7A):c.4547G>A (p.Arg1516Lys)

Gene: SCN7A (sodium voltage-gated channel alpha subunit 7; minus strand). Cytogenetic location: 2q24.3.
Variant type: single nucleotide variant.
Coding change: c.4547G>A on transcript NM_002976.4 (MANE Select); coding-DNA position 4547, G replaced by A.
Protein change: p.Arg1516Lys; replaces arginine 1516 with lysine.
Molecular consequence: missense variant. On other transcripts: non-coding transcript variant (1).
Genome position (GRCh38, 1-based): chr2:166,406,082, C>T on the plus strand (G>A on the coding strand, the complement: SCN7A is on the minus strand). VCF-style: chr2-166406082-C-T. GRCh37 (hg19) VCF-style: chr2-167262592-C-T.
Other names: short protein forms R1516K.
Identifiers: ClinVar variation 709139 (VCV000709139.7), dbSNP rs34799257, ClinGen allele CA1945019.